The following is an entry in ClinVar:

ClinVar aggregate classification (germline): Benign (1 of 4 stars; one submission).

Conditions:
Exudative vitreoretinopathy 1 (EVR1). Also called: CRISWICK-SCHEPENS SYNDROME; FEVR, AUTOSOMAL DOMINANT; Familial exudative vitreoretinopathy, autosomal dominant. Identifiers: Orphanet 891, Orphanet 90050, MedGen C1851402, MONDO:0007589, OMIM 133780.

Allele frequency attached by ClinVar (database versions not stated): gnomAD 0.00019 and 0.00038; TOPMed 0.00025; 1000 Genomes Project 30x 0.00078; 1000 Genomes Project 0.00080.

Submission:

Illumina Laboratory Services, Illumina
Classification: Benign for Exudative vitreoretinopathy 1. Last evaluated: 2018-01-13. Review status: criteria provided, single submitter. Criteria: ICSL Variant Classification Criteria 13 December 2019. Collection method: clinical testing. Allele origin: germline.
Comment: This variant was observed in the ICSL laboratory as part of a predisposition screen in an ostensibly healthy population. It had not been previously curated by ICSL or reported in the Human Gene Mutation Database (HGMD: prior to June 1st, 2018), and was therefore a candidate for classification through an automated scoring system. Utilizing variant allele frequency, disease prevalence and penetrance estimates, and inheritance mode, an automated score was calculated to assess if this variant is too frequent to cause the disease. Based on the score and internal cut-off values, a variant classified as benign is not then subjected to further curation. The score for this variant resulted in a classification of benign for this disease.

NM_012193.4(FZD4):c.*4518C>G

Genes: PRSS23 (serine protease 23; plus strand), FZD4 (frizzled class receptor 4; minus strand). Cytogenetic location: 11q14.2.
Variant type: single nucleotide variant.
Coding change: c.*4518C>G on transcript NM_012193.4 (MANE Select); 4518 bases downstream of the stop codon, C replaced by G.
Molecular consequence: 3 prime UTR variant.
Genome position (GRCh38, 1-based): chr11:86,946,624, G>C on the plus strand (C>G on the coding strand, the complement: FZD4 is on the minus strand). VCF-style: chr11-86946624-G-C. GRCh37 (hg19) VCF-style: chr11-86657666-G-C.
Identifiers: ClinVar variation 306337 (VCV000306337.5), dbSNP rs542033644, ClinGen allele CA10640375.